The following is an entry in ClinVar:

ClinVar aggregate classification (germline): Uncertain significance (1 of 4 stars; one submission).

Allele frequency attached by ClinVar (database versions not stated): TOPMed 0.00001.
gnomAD v4.1: 4 of 1,211,474 alleles (0.00033%); highest among the groups gnomAD compares: Admixed American, 0.0022%; no homozygotes.

Submission:

Labcorp Genetics (formerly Invitae), Labcorp
Classification: Uncertain significance. Last evaluated: 2022-11-02. Review status: criteria provided, single submitter. Criteria: Invitae Variant Classification Sherloc (09022015). Collection method: clinical testing. Allele origin: germline.
Comment: In summary, the available evidence is currently insufficient to determine the role of this variant in disease. Therefore, it has been classified as a Variant of Uncertain Significance. Algorithms developed to predict the effect of missense changes on protein structure and function are either unavailable or do not agree on the potential impact of this missense change (SIFT: "Tolerated"; PolyPhen-2: "Not Available"; Align-GVGD: "Class C0"). This variant has not been reported in the literature in individuals affected with SLC9A7-related conditions. This variant is present in population databases (no rsID available, gnomAD 0.01%). This sequence change replaces serine, which is neutral and polar, with leucine, which is neutral and non-polar, at codon 679 of the SLC9A7 protein (p.Ser679Leu).

NM_001257291.2(SLC9A7):c.2036C>T (p.Ser679Leu)

Gene: SLC9A7 (solute carrier family 9 member A7; minus strand). Cytogenetic location: Xp11.3.
Variant type: single nucleotide variant.
Coding change: c.2036C>T on transcript NM_001257291.2 (MANE Select); coding-DNA position 2036, C replaced by T.
Protein change: p.Ser679Leu; replaces serine 679 with leucine.
Molecular consequence: missense variant.
Genome position (GRCh38, 1-based): chrX:46,607,097, G>A on the plus strand (C>T on the coding strand, the complement: SLC9A7 is on the minus strand). VCF-style: chrX-46607097-G-A. GRCh37 (hg19) VCF-style: chrX-46466532-G-A.
Other names: c.2033C>T, p.Ser678Leu (NM_032591.3); short protein forms S678L, S679L.
Identifiers: ClinVar variation 2959144 (VCV002959144.3), dbSNP rs1392839922, ClinGen allele CA413032895.